The following is an entry in ClinVar:

ClinVar aggregate classification (germline): Uncertain significance. Review status: criteria provided, multiple submitters, no conflicts (2 of 4 stars). 2 submissions from 2 submitters: Uncertain significance (2). Last evaluated 2025-04-27.

Conditions:
Dilated cardiomyopathy 1J (CMD1J). Also called: CARDIOMYOPATHY, DILATED, WITH SENSORINEURAL HEARING LOSS, AUTOSOMAL DOMINANT. Identifiers: Orphanet 217622, MedGen C1854368, MONDO:0011541, OMIM 605362.

gnomAD v4.1: 1 of 1,608,752 alleles (0.000062%); no homozygotes.

Submissions (2):

Labcorp Genetics (formerly Invitae), Labcorp
Classification: Uncertain significance for Dilated cardiomyopathy 1J. Last evaluated: 2025-04-27. Review status: criteria provided, single submitter. Criteria: Invitae Variant Classification Sherloc (09022015). Collection method: clinical testing. Allele origin: germline.
Comment: This sequence change replaces threonine, which is neutral and polar, with asparagine, which is neutral and polar, at codon 404 of the EYA4 protein (p.Thr404Asn). This variant is not present in population databases (gnomAD no frequency). This variant has not been reported in the literature in individuals affected with EYA4-related conditions. ClinVar contains an entry for this variant (Variation ID: 3370193). Invitae Evidence Modeling of protein sequence and biophysical properties (such as structural, functional, and spatial information, amino acid conservation, physicochemical variation, residue mobility, and thermodynamic stability) indicates that this missense variant is not expected to disrupt EYA4 protein function with a negative predictive value of 80%. In summary, the available evidence is currently insufficient to determine the role of this variant in disease. Therefore, it has been classified as a Variant of Uncertain Significance.

GeneDx
Classification: Uncertain significance. Last evaluated: 2023-12-21. Review status: criteria provided, single submitter. Criteria: GeneDx Variant Classification Process June 2021. Collection method: clinical testing. Allele origin: germline. Affected: yes.
Comment: Not observed at significant frequency in large population cohorts (gnomAD); In silico analysis supports that this missense variant does not alter protein structure/function; Has not been previously published as pathogenic or benign to our knowledge

NM_004100.5(EYA4):c.1211C>A (p.Thr404Asn)

Genes: TARID (TCF21 antisense RNA inducing promoter demethylation; minus strand), EYA4 (EYA transcriptional coactivator and phosphatase 4; plus strand), LOC126859796 (MED14-independent group 3 enhancer GRCh37_chr6:133826289-133827488; plus strand). Cytogenetic location: 6q23.2.
Variant type: single nucleotide variant.
Coding change: c.1211C>A on transcript NM_004100.5 (MANE Select); coding-DNA position 1211, C replaced by A.
Protein change: p.Thr404Asn; replaces threonine 404 with asparagine.
Molecular consequence: missense variant. On other transcripts: non-coding transcript variant (1).
Genome position (GRCh38, 1-based): chr6:133,506,125, C>A. VCF-style: chr6-133506125-C-A. GRCh37 (hg19) VCF-style: chr6-133827263-C-A.
Other names: c.1067C>A, p.Thr356Asn (NM_001370459.1); c.1142C>A, p.Thr381Asn (NM_172103.4, NM_001370458.1); c.1211C>A, p.Thr404Asn (NM_172105.4); c.1049C>A, p.Thr350Asn (NM_001301012.2); c.1229C>A, p.Thr410Asn (NM_001301013.2); short protein forms T350N, T356N, T381N, T404N, T410N.
Identifiers: ClinVar variation 3370193 (VCV003370193.2).